The following is an entry in ClinVar:

ClinVar aggregate classification (germline): Pathogenic. Review status: criteria provided, multiple submitters, no conflicts (2 of 4 stars). 2 submissions from 2 submitters: Pathogenic (2). Last evaluated 2025-01-15.

Conditions:
RPGRIP1L-related disorder. Also called: RPGRIP1L-related condition; RPGRIP1L-related disorders. Identifiers: MedGen CN239416.
Joubert syndrome. Also called: Familial aplasia of the vermis; JOUBERT-BOLTSHAUSER SYNDROME. Identifiers: Orphanet 475, MedGen C5979921, MONDO:0018772.
Meckel-Gruber syndrome. Also called: Dysencephalia splachnocystica; GRUBER SYNDROME; DYSENCEPHALIA SPLANCHNOCYSTICA. Identifiers: Orphanet 564, MedGen C0265215, MONDO:0018921.

Submissions (2):

Labcorp Genetics (formerly Invitae), Labcorp
Classification: Pathogenic for Joubert syndrome; Meckel-Gruber syndrome. Last evaluated: 2025-01-15. Review status: criteria provided, single submitter. Criteria: Invitae Variant Classification Sherloc (09022015). Collection method: clinical testing. Allele origin: germline.
Comment: This sequence change affects an acceptor splice site in intron 16 of the RPGRIP1L gene. It is expected to disrupt RNA splicing. Variants that disrupt the donor or acceptor splice site typically lead to a loss of protein function (PMID: 16199547), and loss-of-function variants in RPGRIP1L are known to be pathogenic (PMID: 17558409). This variant is not present in population databases (gnomAD no frequency). Disruption of this splice site has been observed in individual(s) with Joubert syndrome (PMID: 17558407). ClinVar contains an entry for this variant (Variation ID: 1394265). Algorithms developed to predict the effect of sequence changes on RNA splicing suggest that this variant may disrupt the consensus splice site. For these reasons, this variant has been classified as Pathogenic.

PreventionGenetics, part of Exact Sciences
Classification: Pathogenic for RPGRIP1L-related condition. Last evaluated: 2024-11-27. Review status: criteria provided, single submitter. Criteria: ACMG Guidelines, 2015. Collection method: clinical testing. Allele origin: germline.
Comment: The RPGRIP1L c.2305-1G>C variant is predicted to disrupt the AG splice acceptor site and interfere with normal splicing. This variant has been reported in the homozygous state in an individual with Joubert syndrome (Arts et al. 2007. PubMed ID: 17558407). This variant has not been reported in a large population database (gnomAD), indicating this variant is rare. Variants that disrupt the consensus splice acceptor site in RPGRIP1L are expected to be pathogenic. This variant is interpreted as pathogenic.

Literature cited by the submitters: PubMed 16199547 (cited by Labcorp Genetics (formerly Invitae), Labcorp); PubMed 17558409 (cited by Labcorp Genetics (formerly Invitae), Labcorp); PubMed 17558407 (cited by Labcorp Genetics (formerly Invitae), Labcorp).

NM_015272.5(RPGRIP1L):c.2305-1G>C

Gene: RPGRIP1L (RPGRIP1 like; minus strand). Cytogenetic location: 16q12.2.
Variant type: single nucleotide variant.
Coding change: c.2305-1G>C on transcript NM_015272.5 (MANE Select); the canonical splice acceptor site of the intron before coding-DNA position 2305, G replaced by C.
Molecular consequence: splice acceptor variant.
Genome position (GRCh38, 1-based): chr16:53,646,004, C>G on the plus strand (G>C on the coding strand, the complement: RPGRIP1L is on the minus strand). VCF-style: chr16-53646004-C-G. GRCh37 (hg19) VCF-style: chr16-53679916-C-G.
Other names: c.2305-1G>C (NM_001127897.4, NM_001330538.2, NM_001308334.3 and 1 more transcripts).
Identifiers: ClinVar variation 1394265 (VCV001394265.7), dbSNP rs863225215, ClinGen allele CA395914958.
Genomic context (GRCh38, chr16:53,646,004, plus strand): 5'-GTTGCCATCTGTGGAATCTGTAGAACTGAGTTGAGCAGTTTTGGGTGCTTGCTGACTTAA[C>G]TGGAAAAACATACATATTTATATTAAGGAAATAACACAGTTAAAAGATGAACAGCAGCTG-3'